The following is an entry in ClinVar:

ClinVar aggregate classification (germline): Uncertain significance. Review status: criteria provided, multiple submitters, no conflicts (2 of 4 stars). 2 submissions from 2 submitters: Uncertain significance (2). Last evaluated 2025-05-27.

Allele frequency attached by ClinVar (database versions not stated): ExAC 0.00002; TOPMed 0.00003; gnomAD 0.00005; ESP Exome Variant Server 0.00008.
gnomAD v4.1: 52 of 1,613,802 alleles (0.0032%); highest among the groups gnomAD compares: Non-Finnish European, 0.0037%; no homozygotes.

Submissions (2):

Labcorp Genetics (formerly Invitae), Labcorp
Classification: Uncertain significance. Last evaluated: 2025-05-27. Review status: criteria provided, single submitter. Criteria: Invitae Variant Classification Sherloc (09022015). Collection method: clinical testing. Allele origin: germline.
Comment: This sequence change replaces aspartic acid, which is acidic and polar, with glycine, which is neutral and non-polar, at codon 301 of the PITPNM3 protein (p.Asp301Gly). This variant is present in population databases (rs147158705, gnomAD 0.004%). This variant has not been reported in the literature in individuals affected with PITPNM3-related conditions. ClinVar contains an entry for this variant (Variation ID: 1429531). An algorithm developed to predict the effect of missense changes on protein structure and function (PolyPhen-2) suggests that this variant is likely to be tolerated. In summary, the available evidence is currently insufficient to determine the role of this variant in disease. Therefore, it has been classified as a Variant of Uncertain Significance.

Ambry Genetics
Classification: Uncertain significance. Last evaluated: 2022-12-05. Review status: criteria provided, single submitter. Criteria: Ambry Variant Classification Scheme 2023. Collection method: clinical testing. Allele origin: germline.

NM_031220.4(PITPNM3):c.902A>G (p.Asp301Gly)

Gene: PITPNM3 (PITPNM family member 3; minus strand). Cytogenetic location: 17p13.2.
Variant type: single nucleotide variant.
Coding change: c.902A>G on transcript NM_031220.4 (MANE Select); coding-DNA position 902, A replaced by G.
Protein change: p.Asp301Gly; replaces aspartic acid 301 with glycine.
Molecular consequence: missense variant.
Genome position (GRCh38, 1-based): chr17:6,477,212, T>C on the plus strand (A>G on the coding strand, the complement: PITPNM3 is on the minus strand). VCF-style: chr17-6477212-T-C. GRCh37 (hg19) VCF-style: chr17-6380532-T-C.
Other names: c.902A>G (NM_031220.3); c.794A>G, p.Asp265Gly (NM_001165966.2); short protein forms D301G, D265G.
Identifiers: ClinVar variation 1429531 (VCV001429531.9), dbSNP rs147158705, ClinGen allele CA8329669.